The following is an entry in ClinVar:

NM_000053.4(ATP7B):c.4022-19C>T

Gene: ATP7B (ATPase copper transporting beta; minus strand). Cytogenetic location: 13q14.3.
Variant type: single nucleotide variant.
Coding change: c.4022-19C>T on transcript NM_000053.4 (MANE Select); 19 bases into the intron before coding-DNA position 4022, C replaced by T.
Molecular consequence: intron variant.
Genome position (GRCh38, 1-based): chr13:51,935,714, G>A on the plus strand (C>T on the coding strand, the complement: ATP7B is on the minus strand). VCF-style: chr13-51935714-G-A. GRCh37 (hg19) VCF-style: chr13-52509850-G-A.
Other names: c.3689-19C>T (NM_001243182.2); c.3401-19C>T (NM_001005918.3); c.3770-19C>T (NM_001330579.2); c.3788-19C>T (NM_001330578.2).
Identifiers: ClinVar variation 495418 (VCV000495418.6), dbSNP rs369736734, ClinGen allele CA6988507.

ClinVar aggregate classification (germline): Likely benign. Review status: criteria provided, multiple submitters, no conflicts (2 of 4 stars). 3 submissions from 3 submitters: Likely benign (3). Last evaluated 2026-02-04.

Conditions:
Wilson disease (WND). Also called: Wilson's disease. Identifiers: Orphanet 905, MedGen C0019202, MONDO:0010200, OMIM 277900. Disease mechanism: loss of function.

Allele frequency attached by ClinVar (database versions not stated): gnomAD 0.00006; ESP Exome Variant Server 0.00008; TOPMed 0.00008; gnomAD exomes 0.00015; ExAC 0.00028.
gnomAD v4.1: 239 of 1,600,566 alleles (0.015%); highest among the groups gnomAD compares: Non-Finnish European, 0.019%; no homozygotes.

Submissions (3):

Labcorp Genetics (formerly Invitae), Labcorp
Classification: Likely benign for Wilson disease. Last evaluated: 2026-02-04. Review status: criteria provided, single submitter. Criteria: Invitae Variant Classification Sherloc (09022015). Collection method: clinical testing. Allele origin: germline.

Women's Health and Genetics/Laboratory Corporation of America, LabCorp
Classification: Likely benign. Last evaluated: 2024-12-11. Review status: criteria provided, single submitter. Criteria: LabCorp Variant Classification Summary - May 2015. Collection method: clinical testing. Allele origin: germline.

GeneDx
Classification: Likely benign. Last evaluated: 2018-02-01. Review status: criteria provided, single submitter. Criteria: GeneDx Variant Classification (06012015). Collection method: clinical testing. Allele origin: germline. Affected: yes.
Comment: This variant is considered likely benign or benign based on one or more of the following criteria: it is a conservative change, it occurs at a poorly conserved position in the protein, it is predicted to be benign by multiple in silico algorithms, and/or has population frequency not consistent with disease.